The following is an entry in ClinVar:

ClinVar aggregate classification (germline): Benign. Review status: criteria provided, multiple submitters, no conflicts (2 of 4 stars). 13 submissions from 11 submitters: Benign (10). 3 of the submissions do not count toward it. Last evaluated 2026-02-04.

Conditions:
RYR1-related disorder. Also called: RYR1-related disorders; RYR1-related condition. Identifiers: MedGen CN239331.
Congenital multicore myopathy with external ophthalmoplegia (CMYO1B). Also called: MULTICORE MYOPATHY; Minicore myopathy with external ophthalmoplegia; Congenital myopathy 1B, autosomal recessive; Minicore myopathy; MULTIMINICORE DISEASE WITH EXTERNAL OPHTHALMOPLEGIA. Identifiers: Orphanet 598, Orphanet 98905, MedGen C1850674, MONDO:0009712, OMIM 255320, HP:0003789.
Malignant hyperthermia, susceptibility to, 1 (MHS1). Also called: RYR1-Related Malignant Hyperthermia Susceptibility; Malignant hyperthermia suceptibility 1; Anesthesia related hyperthermia; Malignant hyperpyrexia; Fulminating hyperpyrexia; Pharmacogenic myopathy. Identifiers: Orphanet 423, MedGen C2930980, MONDO:0007783, OMIM 145600.
Central core myopathy (CMYO1A). Also called: Central core disease; Myopathy, central fibrillar; CONGENITAL MYOPATHY 1A, AUTOSOMAL DOMINANT, WITH SUSCEPTIBILITY TO MALIGNANT HYPERTHERMIA. Identifiers: Orphanet 597, MedGen C5830701, MONDO:0007294, OMIM 117000.

Allele frequency attached by ClinVar (database versions not stated): ESP Exome Variant Server 0.01184; gnomAD 0.02149 and 0.02290; gnomAD exomes 0.02283 and 0.03468; TOPMed 0.02396; ExAC 0.03166; 1000 Genomes Project 0.03474; 1000 Genomes Project 30x 0.03513.
gnomAD v4.1: 37,004 of 1,611,892 alleles (2.3%); highest among the groups gnomAD compares: Admixed American, 9.9%; 828 homozygotes.

Submissions (13):

Labcorp Genetics (formerly Invitae), Labcorp
Classification: Benign for RYR1-related disorder. Last evaluated: 2026-02-04. Review status: criteria provided, single submitter. Criteria: Invitae Variant Classification Sherloc (09022015). Collection method: clinical testing. Allele origin: germline.

Color Diagnostics, LLC DBA Color Health
Classification: Benign for Malignant hyperthermia, susceptibility to, 1. Last evaluated: 2022-09-16. Review status: criteria provided, single submitter. Criteria: ACMG Guidelines, 2015. Collection method: clinical testing. Allele origin: germline.

PreventionGenetics, part of Exact Sciences
Classification: Benign. Last evaluated: 2018-03-06. Review status: criteria provided, single submitter. Criteria: ACMG Guidelines, 2015. Collection method: clinical testing. Allele origin: germline.

Illumina Laboratory Services, Illumina
Classification: Benign for Central core myopathy. Last evaluated: 2018-01-12. Review status: criteria provided, single submitter. Criteria: ICSL Variant Classification Criteria 13 December 2019. Collection method: clinical testing. Allele origin: germline.
Comment: This variant was observed in the ICSL laboratory as part of a predisposition screen in an ostensibly healthy population. It had not been previously curated by ICSL or reported in the Human Gene Mutation Database (HGMD: prior to June 1st, 2018), and was therefore a candidate for classification through an automated scoring system. Utilizing variant allele frequency, disease prevalence and penetrance estimates, and inheritance mode, an automated score was calculated to assess if this variant is too frequent to cause the disease. Based on the score and internal cut-off values, a variant classified as benign is not then subjected to further curation. The score for this variant resulted in a classification of benign for this disease.

Illumina Laboratory Services, Illumina
Classification: Benign for Congenital multicore myopathy with external ophthalmoplegia. Last evaluated: 2018-01-12. Review status: criteria provided, single submitter. Criteria: ICSL Variant Classification Criteria 13 December 2019. Collection method: clinical testing. Allele origin: germline.
Comment: the same text as in the submission from Illumina Laboratory Services, Illumina above.

Illumina Laboratory Services, Illumina
Classification: Benign for Malignant hyperthermia, susceptibility to, 1. Last evaluated: 2018-01-12. Review status: criteria provided, single submitter. Criteria: ICSL Variant Classification Criteria 13 December 2019. Collection method: clinical testing. Allele origin: germline.
Comment: the same text as in the submission from Illumina Laboratory Services, Illumina above.

GeneDx
Classification: Benign. Last evaluated: 2016-02-17. Review status: criteria provided, single submitter. Criteria: GeneDx Variant Classification (06012015). Collection method: clinical testing. Allele origin: germline. Affected: yes.
Comment: This variant is considered likely benign or benign based on one or more of the following criteria: it is a conservative change, it occurs at a poorly conserved position in the protein, it is predicted to be benign by multiple in silico algorithms, and/or has population frequency not consistent with disease.

Eurofins Ntd Llc (ga)
Classification: Benign. Last evaluated: 2014-04-22. Review status: criteria provided, single submitter. Criteria: EGL Classification Definitions 2015. Collection method: clinical testing. Allele origin: germline. Observed: 2 variant alleles, 2 heterozygotes.

Genetic Services Laboratory, University of Chicago
Classification: Benign. Last evaluated: 2013-02-08. Review status: criteria provided, single submitter. Criteria: ACMG Guidelines, 2007. Collection method: clinical testing. Allele origin: germline. Inheritance: Autosomal unknown.

Breakthrough Genomics
Classification: Benign. Review status: criteria provided, single submitter. Criteria: ACMG Guidelines, 2015. Collection method: not provided. Allele origin: germline. Inheritance: Autosomal recessive inheritance. Affected: yes.

Joint Genome Diagnostic Labs from Nijmegen and Maastricht, Radboudumc and MUMC+
Classification: Benign. Review status: no assertion criteria provided. Collection method: clinical testing. Allele origin: germline. Affected: yes. Study: VKGL Data-share Consensus. Not counted in ClinVar's aggregate classification.

Laboratory of Diagnostic Genome Analysis, Leiden University Medical Center (LUMC)
Classification: Likely benign. Review status: no assertion criteria provided. Collection method: clinical testing. Allele origin: germline. Affected: yes. Study: VKGL Data-share Consensus. Not counted in ClinVar's aggregate classification.

RYR1 database
No classification provided. Review status: no classification provided. Collection method: not provided. Allele origin: unknown. Not counted in ClinVar's aggregate classification.

NM_000540.3(RYR1):c.11908-14A>G

Gene: RYR1 (ryanodine receptor 1; plus strand). Cytogenetic location: 19q13.2.
Variant type: single nucleotide variant.
Coding change: c.11908-14A>G on transcript NM_000540.3 (MANE Select); 14 bases into the intron before coding-DNA position 11908, A replaced by G.
Molecular consequence: intron variant.
Genome position (GRCh38, 1-based): chr19:38,543,757, A>G. VCF-style: chr19-38543757-A-G. GRCh37 (hg19) VCF-style: chr19-39034397-A-G.
Other names: c.11893-14A>G (NM_001042723.2).
Identifiers: ClinVar variation 133022 (VCV000133022.25), dbSNP rs2292799, ClinGen allele CA023941.
Genomic context (GRCh38, chr19:38,543,757, plus strand): 5'-GGGGGTCCCGCATCGTGATCCCTGATCCCTTCTCGGGGATTCCCTTCCCCCCCACACGGC[A>G]CTCTGCCTCCCAGGGTCCCTGCACCGGGAACCAGCAGAGCCTGGCGCACAGTCGCCTATG-3'